The following is an entry in ClinVar:

ClinVar aggregate classification (germline): Conflicting classifications of pathogenicity. Review status: criteria provided, conflicting classifications (1 of 4 stars). 2 submissions from 2 submitters: Uncertain significance (1); Likely benign (1). Last evaluated 2026-01-01.

gnomAD v4.1: 6 of 1,614,060 alleles (0.00037%); highest among the groups gnomAD compares: Admixed American, 0.0067%; no homozygotes.

Submissions (2):

CeGaT Center for Human Genetics Tuebingen
Classification: Likely benign. Last evaluated: 2026-01-01. Review status: criteria provided, single submitter. Criteria: CeGaT Center For Human Genetics Tuebingen Variant Classification Criteria Version 2. Collection method: clinical testing. Allele origin: germline. Affected: yes. Observed: 1 variant allele.
Comment: ZFHX3: BP4

Ambry Genetics
Classification: Uncertain significance. Last evaluated: 2025-03-21. Review status: criteria provided, single submitter. Criteria: Ambry Variant Classification Scheme 2023. Collection method: clinical testing. Allele origin: germline.

NM_006885.4(ZFHX3):c.9340G>A (p.Ala3114Thr)

Genes: ZFHX3 (zinc finger homeobox 3; minus strand), ZFHX3-AS1 (ZFHX3 antisense RNA 1; plus strand). Cytogenetic location: 16q22.2.
Variant type: single nucleotide variant.
Coding change: c.9340G>A on transcript NM_006885.4 (MANE Select); coding-DNA position 9340, G replaced by A.
Protein change: p.Ala3114Thr; replaces alanine 3114 with threonine.
Molecular consequence: missense variant.
Genome position (GRCh38, 1-based): chr16:72,793,342, C>T on the plus strand (G>A on the coding strand, the complement: ZFHX3 is on the minus strand). VCF-style: chr16-72793342-C-T. GRCh37 (hg19) VCF-style: chr16-72827241-C-T.
Other names: c.6598G>A, p.Ala2200Thr (NM_001164766.2); c.9340G>A, p.Ala3114Thr (NM_001386735.1); short protein forms A3114T, A2200T.
Identifiers: ClinVar variation 3984488 (VCV003984488.5).